The following is an entry in ClinVar:

ClinVar aggregate classification (germline): Uncertain significance. Review status: criteria provided, multiple submitters, no conflicts (2 of 4 stars). 2 submissions from 2 submitters: Uncertain significance (2). Last evaluated 2021-03-31.

Conditions:
Benign neonatal seizures. Also called: Benign neonatal familial convulsions; Benign familial neonatal epilepsy; Benign familial neonatal seizures; Convulsions benign familial neonatal dominant form; Autosomal dominant form of benign neonatal seizures. Identifiers: Orphanet 1949, MedGen C0220669, MONDO:0016027.

Allele frequency attached by ClinVar (database versions not stated): gnomAD 0.00001.

Submissions (2):

Blueprint Genetics
Classification: Uncertain significance. Last evaluated: 2021-03-31. Review status: criteria provided, single submitter. Criteria: ACMG Guidelines, 2015. Collection method: clinical testing. Allele origin: germline.

Labcorp Genetics (formerly Invitae), Labcorp
Classification: Uncertain significance for Benign neonatal seizures. Last evaluated: 2019-11-01. Review status: criteria provided, single submitter. Criteria: Invitae Variant Classification Sherloc (09022015). Collection method: clinical testing. Allele origin: germline.
Comment: This sequence change replaces alanine with valine at codon 590 of the KCNQ3 protein (p.Ala590Val). The alanine residue is moderately conserved and there is a small physicochemical difference between alanine and valine. This variant is not present in population databases (ExAC no frequency). This variant has not been reported in the literature in individuals with KCNQ3-related conditions. Algorithms developed to predict the effect of missense changes on protein structure and function are either unavailable or do not agree on the potential impact of this missense change (SIFT: "Deleterious"; PolyPhen-2: "Benign"; Align-GVGD: "Class C0"). In summary, the available evidence is currently insufficient to determine the role of this variant in disease. Therefore, it has been classified as a Variant of Uncertain Significance.

NM_004519.4(KCNQ3):c.1769C>T (p.Ala590Val)

Gene: KCNQ3 (potassium voltage-gated channel subfamily Q member 3; minus strand). Cytogenetic location: 8q24.22.
Variant type: single nucleotide variant.
Coding change: c.1769C>T on transcript NM_004519.4 (MANE Select); coding-DNA position 1769, C replaced by T.
Protein change: p.Ala590Val; replaces alanine 590 with valine.
Molecular consequence: missense variant.
Genome position (GRCh38, 1-based): chr8:132,134,320, G>A on the plus strand (C>T on the coding strand, the complement: KCNQ3 is on the minus strand). VCF-style: chr8-132134320-G-A. GRCh37 (hg19) VCF-style: chr8-133146567-G-A.
Other names: c.1409C>T, p.Ala470Val (NM_001204824.2); short protein forms A470V, A590V.
Identifiers: ClinVar variation 960588 (VCV000960588.10), dbSNP rs1824994259, ClinGen allele CA372218105.